The following is an entry in ClinVar:

NM_000540.3(RYR1):c.8734A>T (p.Thr2912Ser)

Gene: RYR1 (ryanodine receptor 1; plus strand). Cytogenetic location: 19q13.2.
Variant type: single nucleotide variant.
Coding change: c.8734A>T on transcript NM_000540.3 (MANE Select); coding-DNA position 8734, A replaced by T.
Protein change: p.Thr2912Ser; replaces threonine 2912 with serine.
Molecular consequence: missense variant.
Genome position (GRCh38, 1-based): chr19:38,506,870, A>T. VCF-style: chr19-38506870-A-T. GRCh37 (hg19) VCF-style: chr19-38997510-A-T.
Other names: c.8734A>T, p.Thr2912Ser (NM_001042723.2); short protein forms T2912S.
Identifiers: ClinVar variation 3073294 (VCV003073294.1), dbSNP rs2514370697, ClinGen allele CA405680926.

ClinVar aggregate classification (germline): Uncertain significance (1 of 4 stars; one submission).

Conditions:
Malignant hyperthermia, susceptibility to, 1 (MHS1). Also called: Anesthesia related hyperthermia; Malignant hyperpyrexia; Fulminating hyperpyrexia; Pharmacogenic myopathy; RYR1-Related Malignant Hyperthermia Susceptibility; Malignant hyperthermia suceptibility 1. Identifiers: Orphanet 423, MedGen C2930980, MONDO:0007783, OMIM 145600.

Submission:

All of Us Research Program, National Institutes of Health
Classification: Uncertain significance for Malignant hyperthermia, susceptibility to, 1. Last evaluated: 2023-09-04. Review status: criteria provided, single submitter. Criteria: ACMG Guidelines, 2015. Collection method: clinical testing. Allele origin: germline. Inheritance: Autosomal dominant inheritance. Observed: 1 variant allele, 1 heterozygote.
Comment: This missense variant replaces threonine with serine at codon 2912 of the RYR1 protein. Computational prediction is inconclusive regarding the impact of this variant on protein structure and function (internally defined REVEL score threshold 0.5 < inconclusive < 0.7, PMID: 27666373). To our knowledge, functional studies have not been reported for this variant. This variant has not been reported in individuals affected with RYR1-related disorders in the literature. This variant has not been identified in the general population by the Genome Aggregation Database (gnomAD). The available evidence is insufficient to determine the role of this variant in disease conclusively. Therefore, this variant is classified as a Variant of Uncertain Significance.

This study involves interpretation of variants in research participants for the purpose of population health screening. Participant phenotype was not available at the time of variant classification. Additional details can be found in publication PMID: 35346344, PMCID: PMC8962531